The following is an entry in ClinVar:

ClinVar aggregate classification (germline): Uncertain significance. Review status: criteria provided, multiple submitters, no conflicts (2 of 4 stars). 2 submissions from 2 submitters: Uncertain significance (2). Last evaluated 2024-05-26.

Allele frequency attached by ClinVar (database versions not stated): ExAC 0.00002; gnomAD exomes 0.00002; TOPMed 0.00006; gnomAD 0.00007 and 0.00008; ESP Exome Variant Server 0.00015.
gnomAD v4.1: 23 of 1,610,986 alleles (0.0014%); highest among the groups gnomAD compares: African/African-American, 0.031%; no homozygotes.

Submissions (2):

Ambry Genetics
Classification: Uncertain significance. Last evaluated: 2024-05-26. Review status: criteria provided, single submitter. Criteria: Ambry Variant Classification Scheme 2023. Collection method: clinical testing. Allele origin: germline.

Labcorp Genetics (formerly Invitae), Labcorp
Classification: Uncertain significance. Last evaluated: 2022-10-17. Review status: criteria provided, single submitter. Criteria: Invitae Variant Classification Sherloc (09022015). Collection method: clinical testing. Allele origin: germline.
Comment: In summary, the available evidence is currently insufficient to determine the role of this variant in disease. Therefore, it has been classified as a Variant of Uncertain Significance. Algorithms developed to predict the effect of missense changes on protein structure and function (SIFT, PolyPhen-2, Align-GVGD) all suggest that this variant is likely to be tolerated. ClinVar contains an entry for this variant (Variation ID: 1445220). This variant has not been reported in the literature in individuals affected with HMCN1-related conditions. This variant is present in population databases (rs138727762, gnomAD 0.03%). This sequence change replaces serine, which is neutral and polar, with glycine, which is neutral and non-polar, at codon 2385 of the HMCN1 protein (p.Ser2385Gly).

NM_031935.3(HMCN1):c.7153A>G (p.Ser2385Gly)

Gene: HMCN1 (hemicentin 1; plus strand). Cytogenetic location: 1q31.1.
Variant type: single nucleotide variant.
Coding change: c.7153A>G on transcript NM_031935.3 (MANE Select); coding-DNA position 7153, A replaced by G.
Protein change: p.Ser2385Gly; replaces serine 2385 with glycine.
Molecular consequence: missense variant.
Genome position (GRCh38, 1-based): chr1:186,057,242, A>G. VCF-style: chr1-186057242-A-G. GRCh37 (hg19) VCF-style: chr1-186026374-A-G.
Other names: c.7153A>G (NM_031935.2); short protein forms S2385G.
Identifiers: ClinVar variation 1445220 (VCV001445220.7), dbSNP rs138727762, ClinGen allele CA1292765.